The following is an entry in ClinVar:

NM_000379.4(XDH):c.3154A>G (p.Ser1052Gly)

Gene: XDH (xanthine dehydrogenase; minus strand). Cytogenetic location: 2p23.1.
Variant type: single nucleotide variant.
Coding change: c.3154A>G on transcript NM_000379.4 (MANE Select); coding-DNA position 3154, A replaced by G.
Protein change: p.Ser1052Gly; replaces serine 1052 with glycine.
Molecular consequence: missense variant.
Genome position (GRCh38, 1-based): chr2:31,347,644, T>C on the plus strand (A>G on the coding strand, the complement: XDH is on the minus strand). VCF-style: chr2-31347644-T-C. GRCh37 (hg19) VCF-style: chr2-31570510-T-C.
Other names: short protein forms S1052G.
Identifiers: ClinVar variation 897414 (VCV000897414.7), dbSNP rs777296789, ClinGen allele CA1598508.

ClinVar aggregate classification (germline): Uncertain significance. Review status: criteria provided, multiple submitters, no conflicts (2 of 4 stars). 3 submissions from 3 submitters: Uncertain significance (3). Last evaluated 2022-05-18.

Conditions:
Xanthinuria type II. Also called: Xanthine dehydrogenase and aldehyde oxidase combined deficiency of; XDH and AOX dual deficiency. Identifiers: Orphanet 3467, Orphanet 93602, MedGen C1863688, MONDO:0011346, OMIM 603592.
Hereditary xanthinuria type 1 (XAN1). Identifiers: Orphanet 3467, Orphanet 93601, MedGen C0268118, MONDO:0010209, OMIM 278300.

Allele frequency attached by ClinVar (database versions not stated): gnomAD 0.00001 and 0.00003; TOPMed 0.00001; ExAC 0.00003; gnomAD exomes 0.00004.
gnomAD v4.1: 38 of 1,613,680 alleles (0.0024%); highest among the groups gnomAD compares: Middle Eastern, 0.13%; no homozygotes.

Submissions (3):

Fulgent Genetics
Classification: Uncertain significance for Hereditary xanthinuria type 1. Last evaluated: 2022-05-18. Review status: criteria provided, single submitter. Criteria: ACMG Guidelines, 2015. Collection method: clinical testing. Allele origin: unknown.

Labcorp Genetics (formerly Invitae), Labcorp
Classification: Uncertain significance for Xanthinuria type II. Last evaluated: 2022-03-18. Review status: criteria provided, single submitter. Criteria: Invitae Variant Classification Sherloc (09022015). Collection method: clinical testing. Allele origin: germline.
Comment: This sequence change replaces serine, which is neutral and polar, with glycine, which is neutral and non-polar, at codon 1052 of the XDH protein (p.Ser1052Gly). This variant is present in population databases (rs777296789, gnomAD 0.01%). This variant has not been reported in the literature in individuals affected with XDH-related conditions. ClinVar contains an entry for this variant (Variation ID: 897414). Algorithms developed to predict the effect of missense changes on protein structure and function output the following: SIFT: "Deleterious"; PolyPhen-2: "Benign"; Align-GVGD: "Class C0". The glycine amino acid residue is found in multiple mammalian species, which suggests that this missense change does not adversely affect protein function. In summary, the available evidence is currently insufficient to determine the role of this variant in disease. Therefore, it has been classified as a Variant of Uncertain Significance.

Illumina Laboratory Services, Illumina
Classification: Uncertain significance for Hereditary xanthinuria type 1. Last evaluated: 2017-06-27. Review status: criteria provided, single submitter. Criteria: ICSL Variant Classification Criteria 13 December 2019. Collection method: clinical testing. Allele origin: germline.
Comment: This variant was observed as part of a predisposition screen in an ostensibly healthy population. A literature search was performed for the gene, cDNA change, and amino acid change (where applicable). Publications were found based on this search. However, the evidence from the literature, in combination with allele frequency data from public databases where available, was not sufficient to rule this variant in or out of causing disease. Therefore, this variant is classified as a variant of unknown significance.

Literature cited by the submitters: PubMed 26443251 (cited by Illumina Laboratory Services, Illumina).